The following is an entry in ClinVar:

NM_005909.5(MAP1B):c.2397C>T (p.Val799=)

Gene: MAP1B (microtubule associated protein 1B; plus strand). Cytogenetic location: 5q13.2.
Variant type: single nucleotide variant.
Coding change: c.2397C>T on transcript NM_005909.5 (MANE Select); coding-DNA position 2397, C replaced by T.
Protein change: p.Val799=; no amino-acid change (valine 799 retained).
Molecular consequence: synonymous variant.
Genome position (GRCh38, 1-based): chr5:72,195,752, C>T. VCF-style: chr5-72195752-C-T. GRCh37 (hg19) VCF-style: chr5-71491579-C-T.
Other names: c.2019C>T, p.Val673= (NM_001324255.2).
Identifiers: ClinVar variation 4821118 (VCV004821118.4).

ClinVar aggregate classification (germline): Likely benign (1 of 4 stars; one submission).

gnomAD v4.1: 62 of 1,614,082 alleles (0.0038%); highest among the groups gnomAD compares: Middle Eastern, 0.016%; no homozygotes.

Submission:

CeGaT Center for Human Genetics Tuebingen
Classification: Likely benign. Last evaluated: 2026-01-01. Review status: criteria provided, single submitter. Criteria: CeGaT Center For Human Genetics Tuebingen Variant Classification Criteria Version 2. Collection method: clinical testing. Allele origin: germline. Affected: yes. Observed: 1 variant allele.
Comment: MAP1B: BP4, BP7